The following is an entry in ClinVar:

ClinVar aggregate classification (germline): Uncertain significance. Review status: criteria provided, multiple submitters, no conflicts (2 of 4 stars). 2 submissions from 2 submitters: Uncertain significance (2). Last evaluated 2025-11-16.

Allele frequency attached by ClinVar (database versions not stated): gnomAD exomes 0.00001; gnomAD 0.00003; TOPMed 0.00004; ExAC 0.00007.
gnomAD v4.1: 20 of 1,613,532 alleles (0.0012%); highest among the groups gnomAD compares: East Asian, 0.04%; no homozygotes.

Submissions (2):

Labcorp Genetics (formerly Invitae), Labcorp
Classification: Uncertain significance. Last evaluated: 2025-11-16. Review status: criteria provided, single submitter. Criteria: Invitae Variant Classification Sherloc (09022015). Collection method: clinical testing. Allele origin: germline.
Comment: This sequence change replaces glycine, which is neutral and non-polar, with glutamic acid, which is acidic and polar, at codon 81 of the CARD8 protein (p.Gly81Glu). This variant is present in population databases (rs752059349, gnomAD 0.1%), and has an allele count higher than expected for a pathogenic variant. This variant has not been reported in the literature in individuals affected with CARD8-related conditions. ClinVar contains an entry for this variant (Variation ID: 1941457). An algorithm developed to predict the effect of missense changes on protein structure and function outputs the following: PolyPhen-2: "Benign". The glutamic acid amino acid residue is found in multiple mammalian species, which suggests that this missense change does not adversely affect protein function. Algorithms developed to predict the effect of sequence changes on RNA splicing suggest that this variant may disrupt the consensus splice site. In summary, the available evidence is currently insufficient to determine the role of this variant in disease. Therefore, it has been classified as a Variant of Uncertain Significance.

Ambry Genetics
Classification: Uncertain significance. Last evaluated: 2025-03-03. Review status: criteria provided, single submitter. Criteria: Ambry Variant Classification Scheme 2023. Collection method: clinical testing. Allele origin: germline.

NM_001184900.3(CARD8):c.392G>A (p.Gly131Glu)

Gene: CARD8 (caspase recruitment domain family member 8; minus strand). Cytogenetic location: 19q13.33.
Variant type: single nucleotide variant.
Coding change: c.392G>A on transcript NM_001184900.3 (MANE Select); coding-DNA position 392, G replaced by A.
Protein change: p.Gly131Glu; replaces glycine 131 with glutamic acid.
Molecular consequence: missense variant. On other transcripts: non-coding transcript variant (4).
Genome position (GRCh38, 1-based): chr19:48,231,810, C>T on the plus strand (G>A on the coding strand, the complement: CARD8 is on the minus strand). VCF-style: chr19-48231810-C-T. GRCh37 (hg19) VCF-style: chr19-48735067-C-T.
Other names: c.392G>A (NM_001184900.1); c.242G>A, p.Gly81Glu (NM_001184901.1, NM_001351783.2, NM_001351788.2 and 2 more transcripts); c.392G>A, p.Gly131Glu (NM_001184902.2, NM_001184903.1, NM_001351782.2); c.77G>A, p.Gly26Glu (NM_001351784.2, NM_001351787.2, NM_001351791.2 and 2 more transcripts); c.56G>A, p.Gly19Glu (NM_001351786.2); c.149G>A, p.Gly50Glu (NM_001351790.2); short protein forms G26E, G81E, G131E, G50E, G19E.
Identifiers: ClinVar variation 1941457 (VCV001941457.6), dbSNP rs752059349, ClinGen allele CA9548025.
Genomic context (GRCh38, chr19:48,231,810, plus strand): 5'-TCAAAACAGACTTTAGAAGCATAAGAGGAAACTATTTGATTCTCTTCTGAGCAAATGTCT[C>T]CTGAAAAGAAAATACTAGACATGTAAGAGGTAAAGGGTTGGAAGAGGCATGGCCTGAAGG-3'
Protein context (NP_001171829.1, residues 121-141): EQESSEGQDS[Gly131Glu]DICSEENQIV